The following is an entry in ClinVar:

NM_000455.5(STK11):c.863-17C>T

Gene: STK11 (serine/threonine kinase 11; plus strand). Cytogenetic location: 19p13.3.
Variant type: single nucleotide variant.
Coding change: c.863-17C>T on transcript NM_000455.5 (MANE Select); 17 bases into the intron before coding-DNA position 863, C replaced by T.
Molecular consequence: intron variant.
Genome position (GRCh38, 1-based): chr19:1,221,932, C>T. VCF-style: chr19-1221932-C-T. GRCh37 (hg19) VCF-style: chr19-1221931-C-T.
Identifiers: ClinVar variation 383050 (VCV000383050.13), dbSNP rs535445817, ClinGen allele CA16608074.

ClinVar aggregate classification (germline): Conflicting classifications of pathogenicity. Review status: criteria provided, conflicting classifications (1 of 4 stars). 5 submissions from 5 submitters: Uncertain significance (1); Likely benign (4). Last evaluated 2025-11-18.

Conditions:
Hereditary cancer-predisposing syndrome. Also called: Hereditary neoplastic syndrome; Tumor predisposition; Neoplastic Syndromes, Hereditary; Hereditary Cancer Syndrome. Identifiers: Orphanet 140162, MedGen C0027672, MeSH D009386, MONDO:0015356.
Peutz-Jeghers syndrome (PJS). Also called: Peutz-Jeghers polyposis; Periorificial lentiginosis syndrome; POLYPOSIS, HAMARTOMATOUS INTESTINAL; POLYPS-AND-SPOTS SYNDROME. Identifiers: Orphanet 2869, MedGen C0031269, MeSH D010580, MONDO:0008280, OMIM 175200.

Allele frequency attached by ClinVar (database versions not stated): gnomAD 0.00002; TOPMed 0.00002; 1000 Genomes Project 0.00040; 1000 Genomes Project 30x 0.00062.
gnomAD v4.1: 13 of 1,551,258 alleles (0.00084%); highest among the groups gnomAD compares: Admixed American, 0.0078%; no homozygotes.

Submissions (5):

Labcorp Genetics (formerly Invitae), Labcorp
Classification: Likely benign for Peutz-Jeghers syndrome. Last evaluated: 2025-11-18. Review status: criteria provided, single submitter. Criteria: Invitae Variant Classification Sherloc (09022015). Collection method: clinical testing. Allele origin: germline.

Myriad Genetics, Inc.
Classification: Likely benign for Peutz-Jeghers syndrome. Last evaluated: 2025-03-27. Review status: criteria provided, single submitter. Criteria: Myriad Autosomal Dominant, Autosomal Recessive and X-Linked Classification Criteria (2023). Collection method: clinical testing. Allele origin: unknown.
Comment: This variant is considered likely benign. This variant is intronic and is not expected to impact mRNA splicing.

Color Diagnostics, LLC DBA Color Health
Classification: Likely benign for Hereditary cancer-predisposing syndrome. Last evaluated: 2016-07-11. Review status: criteria provided, single submitter. Criteria: ACMG Guidelines, 2015. Collection method: clinical testing. Allele origin: germline.

GeneDx
Classification: Likely benign. Last evaluated: 2016-01-11. Review status: criteria provided, single submitter. Criteria: GeneDx Variant Classification (06012015). Collection method: clinical testing. Allele origin: germline. Affected: yes.
Comment: This variant is considered likely benign or benign based on one or more of the following criteria: it is a conservative change, it occurs at a poorly conserved position in the protein, it is predicted to be benign by multiple in silico algorithms, and/or has population frequency not consistent with disease.

Ambry Genetics
Classification: Uncertain significance for Hereditary cancer-predisposing syndrome. Last evaluated: 2015-03-04. Review status: criteria provided, single submitter. Criteria: Ambry Variant Classification Scheme 2023. Collection method: clinical testing. Allele origin: germline.
Comment: The c.863-17C>T intronic alteration consists of a C to T substitution 17 nucleotides before coding exon 7 in the STK11 gene. Based on insufficient or conflicting evidence, the clinical significance of this alteration remains unclear.